The following is an entry in ClinVar:

NM_177438.3(DICER1):c.5736C>G (p.Leu1912=)

Gene: DICER1 (dicer 1, ribonuclease III; minus strand). Cytogenetic location: 14q32.13.
Variant type: single nucleotide variant.
Coding change: c.5736C>G on transcript NM_177438.3 (MANE Select); coding-DNA position 5736, C replaced by G.
Protein change: p.Leu1912=; no amino-acid change (leucine 1912 retained).
Molecular consequence: synonymous variant. On other transcripts: 3 prime UTR variant (1).
Genome position (GRCh38, 1-based): chr14:95,090,531, G>C on the plus strand (C>G on the coding strand, the complement: DICER1 is on the minus strand). VCF-style: chr14-95090531-G-C. GRCh37 (hg19) VCF-style: chr14-95556868-G-C.
Other names: c.*83C>G (NM_001195573.1); c.5736C>G, p.Leu1912= (NM_001271282.3, NM_001291628.2, NM_030621.4).
Identifiers: ClinVar variation 477270 (VCV000477270.13), dbSNP rs995276380, ClinGen allele CA265894544.

ClinVar aggregate classification (germline): Benign/Likely benign. Review status: criteria provided, multiple submitters, no conflicts (2 of 4 stars). 3 submissions from 3 submitters: Benign (1); Likely benign (2). Last evaluated 2026-04-21.

Conditions:
DICER1-related tumor predisposition. Also called: DICER1-related pleuropulmonary blastoma cancer predisposition syndrome; DICER1 syndrome. Identifiers: Orphanet 284343, MedGen C3839822, MONDO:0100216.
Hereditary cancer-predisposing syndrome. Also called: Hereditary neoplastic syndrome; Neoplastic Syndromes, Hereditary; Hereditary Cancer Syndrome; Tumor predisposition. Identifiers: Orphanet 140162, MedGen C0027672, MeSH D009386, MONDO:0015356.

Allele frequency attached by ClinVar (database versions not stated): gnomAD 0.00001; TOPMed 0.00001; gnomAD exomes below 0.00001.
gnomAD v4.1: 6 of 1,613,892 alleles (0.00037%); highest among the groups gnomAD compares: Non-Finnish European, 0.00051%; no homozygotes.

Submissions (3):

Myriad Genetics, Inc.
Classification: Benign for DICER1-related tumor predisposition. Last evaluated: 2026-04-21. Review status: criteria provided, single submitter. Criteria: Myriad Autosomal Dominant, Autosomal Recessive and X-Linked Classification Criteria (2023). Collection method: clinical testing. Allele origin: unknown.
Comment: This variant is considered benign. This variant is a silent/synonymous amino acid change and it is not expected to impact splicing.

Labcorp Genetics (formerly Invitae), Labcorp
Classification: Likely benign for DICER1-related tumor predisposition. Last evaluated: 2023-03-16. Review status: criteria provided, single submitter. Criteria: Invitae Variant Classification Sherloc (09022015). Collection method: clinical testing. Allele origin: germline.

Ambry Genetics
Classification: Likely benign for Hereditary cancer-predisposing syndrome. Last evaluated: 2022-02-06. Review status: criteria provided, single submitter. Criteria: Ambry Variant Classification Scheme 2023. Collection method: clinical testing. Allele origin: germline.